The following is an entry in ClinVar:

ClinVar aggregate classification (germline): Uncertain significance. Review status: criteria provided, multiple submitters, no conflicts (2 of 4 stars). 2 submissions from 2 submitters: Uncertain significance (2). Last evaluated 2024-05-28.

Conditions:
Hereditary cancer-predisposing syndrome. Also called: Neoplastic Syndromes, Hereditary; Tumor predisposition; Hereditary neoplastic syndrome; Hereditary Cancer Syndrome. Identifiers: Orphanet 140162, MedGen C0027672, MeSH D009386, MONDO:0015356.
Familial cancer of breast. Also called: BREAST CANCER, FAMILIAL; Hereditary breast cancer; hereditary breast carcinoma. Identifiers: Orphanet 227535, MedGen C0346153, MONDO:0016419, OMIM 114480. Disease mechanism: loss of function.

Submissions (2):

Labcorp Genetics (formerly Invitae), Labcorp
Classification: Uncertain significance for Familial cancer of breast. Last evaluated: 2024-05-28. Review status: criteria provided, single submitter. Criteria: Invitae Variant Classification Sherloc (09022015). Collection method: clinical testing. Allele origin: germline.
Comment: This sequence change replaces glutamic acid, which is acidic and polar, with alanine, which is neutral and non-polar, at codon 331 of the PALB2 protein (p.Glu331Ala). This variant is not present in population databases (gnomAD no frequency). This variant has not been reported in the literature in individuals affected with PALB2-related conditions. ClinVar contains an entry for this variant (Variation ID: 823555). Advanced modeling of protein sequence and biophysical properties (such as structural, functional, and spatial information, amino acid conservation, physicochemical variation, residue mobility, and thermodynamic stability) has been performed at Invitae for this missense variant, however the output from this modeling did not meet the statistical confidence thresholds required to predict the impact of this variant on PALB2 protein function. In summary, the available evidence is currently insufficient to determine the role of this variant in disease. Therefore, it has been classified as a Variant of Uncertain Significance.

Ambry Genetics
Classification: Uncertain significance for Hereditary cancer-predisposing syndrome. Last evaluated: 2018-03-20. Review status: criteria provided, single submitter. Criteria: Ambry Variant Classification Scheme 2023. Collection method: clinical testing. Allele origin: germline.
Comment: The p.E331A variant (also known as c.992A>C), located in coding exon 4 of the PALB2 gene, results from an A to C substitution at nucleotide position 992. The glutamic acid at codon 331 is replaced by alanine, an amino acid with dissimilar properties. This amino acid position is well conserved in available vertebrate species. In addition, this alteration is predicted to be tolerated by in silico analysis. Since supporting evidence is limited at this time, the clinical significance of this alteration remains unclear.

NM_024675.4(PALB2):c.992A>C (p.Glu331Ala)

Gene: PALB2 (partner and localizer of BRCA2; minus strand). Cytogenetic location: 16p12.2.
Variant type: single nucleotide variant.
Coding change: c.992A>C on transcript NM_024675.4 (MANE Select); coding-DNA position 992, A replaced by C.
Protein change: p.Glu331Ala; replaces glutamic acid 331 with alanine.
Molecular consequence: missense variant.
Genome position (GRCh38, 1-based): chr16:23,635,554, T>G on the plus strand (A>C on the coding strand, the complement: PALB2 is on the minus strand). VCF-style: chr16-23635554-T-G. GRCh37 (hg19) VCF-style: chr16-23646875-T-G.
Other names: short protein forms E331A.
Identifiers: ClinVar variation 823555 (VCV000823555.6), dbSNP rs1597097586, ClinGen allele CA395134711.